The following is an entry in ClinVar:

ClinVar aggregate classification (germline): Uncertain significance. Review status: criteria provided, multiple submitters, no conflicts (2 of 4 stars). 2 submissions from 2 submitters: Uncertain significance (2). Last evaluated 2025-07-06.

Conditions:
Pulmonary hypertension, primary, 1 (PPH1). Also called: Pulmonary hypertension, familial primary, 1, with or without HHT. Identifiers: Orphanet 422, MedGen C4552070, MONDO:0024533, OMIM 178600.
Pulmonary venoocclusive disease 1 (PVOD1). Also called: Pulmonary venoocclusive disease 1, autosomal dominant. Identifiers: Orphanet 31837, MedGen C3887658, MONDO:0020713, OMIM 265450.
Inborn genetic diseases. Identifiers: MedGen C0950123, MeSH D030342.

gnomAD v4.1: 7 of 1,614,130 alleles (0.00043%); highest among the groups gnomAD compares: South Asian, 0.0077%; 1 homozygote.

Submissions (2):

Ambry Genetics
Classification: Uncertain significance for Inborn genetic diseases. Last evaluated: 2025-07-06. Review status: criteria provided, single submitter. Criteria: Ambry Variant Classification Scheme 2023. Collection method: clinical testing. Allele origin: germline.
Comment: The p.F773L variant (also known as c.2319T>G), located in coding exon 12 of the BMPR2 gene, results from a T to G substitution at nucleotide position 2319. The phenylalanine at codon 773 is replaced by leucine, an amino acid with highly similar properties. This amino acid position is conserved. In addition, the in silico prediction for this alteration is inconclusive. Based on the available evidence, the clinical significance of this variant remains unclear.

Fulgent Genetics
Classification: Uncertain significance for Pulmonary hypertension, primary, 1; Pulmonary venoocclusive disease 1. Last evaluated: 2024-04-16. Review status: criteria provided, single submitter. Criteria: ACMG Guidelines, 2015. Collection method: clinical testing. Allele origin: germline.

NM_001204.7(BMPR2):c.2319T>G (p.Phe773Leu)

Gene: BMPR2 (bone morphogenetic protein receptor type 2; plus strand). Cytogenetic location: 2q33.2.
Variant type: single nucleotide variant.
Coding change: c.2319T>G on transcript NM_001204.7 (MANE Select); coding-DNA position 2319, T replaced by G.
Protein change: p.Phe773Leu; replaces phenylalanine 773 with leucine.
Molecular consequence: missense variant.
Genome position (GRCh38, 1-based): chr2:202,555,984, T>G. VCF-style: chr2-202555984-T-G. GRCh37 (hg19) VCF-style: chr2-203420707-T-G.
Other names: short protein forms F773L.
Identifiers: ClinVar variation 3585299 (VCV003585299.2).